The following is an entry in ClinVar:

ClinVar aggregate classification (germline): Likely benign (1 of 4 stars; one submission).

gnomAD v4.1: 113 of 1,614,048 alleles (0.007%); highest among the groups gnomAD compares: Non-Finnish European, 0.0092%; 1 homozygote.

Submission:

CeGaT Center for Human Genetics Tuebingen
Classification: Likely benign. Last evaluated: 2026-07-01. Review status: criteria provided, single submitter. Criteria: CeGaT Center For Human Genetics Tuebingen Variant Classification Criteria Version 2. Collection method: clinical testing. Allele origin: germline. Affected: yes. Observed: 1 variant allele.
Comment: SPEN: BP4, BS2

NM_015001.3(SPEN):c.2680A>G (p.Thr894Ala)

Gene: SPEN (spen family transcriptional repressor; plus strand). Cytogenetic location: 1p36.13.
Variant type: single nucleotide variant.
Coding change: c.2680A>G on transcript NM_015001.3 (MANE Select); coding-DNA position 2680, A replaced by G.
Protein change: p.Thr894Ala; replaces threonine 894 with alanine.
Molecular consequence: missense variant.
Genome position (GRCh38, 1-based): chr1:15,928,920, A>G. VCF-style: chr1-15928920-A-G. GRCh37 (hg19) VCF-style: chr1-16255415-A-G.
Other names: short protein forms T894A.
Identifiers: ClinVar variation 5040235 (VCV005040235.1).
Genomic context (GRCh38, chr1:15,928,920, plus strand): 5'-CTCATGCCTTGCGTGGTTTTGACTCGAGTGAAAGAGAAAGAGGGAAAGGTCATTGACCAC[A>G]CTCCTGTGGAAAAGTTGAAAGCCAAGCTTGATAATGACACTGTCAAATCTTCTGCCCTGG-3'
Protein context (NP_055816.2, residues 884-904): KEKEGKVIDH[Thr894Ala]PVEKLKAKLD